The following is an entry in ClinVar:

ClinVar aggregate classification (germline): Benign. Review status: criteria provided, multiple submitters, no conflicts (2 of 4 stars). 4 submissions from 4 submitters: Benign (4). Last evaluated 2024-07-15.

Conditions:
Autosomal dominant nocturnal frontal lobe epilepsy 4. Also called: CHRNA2-Related Nocturnal Frontal Lobe Epilepsy, Autosomal Dominant; EPILEPSY, FAMILIAL, WITH NOCTURNAL WANDERING AND ICTAL FEAR. Identifiers: Orphanet 98784, MedGen C1835905, MONDO:0012474, OMIM 610353.

Allele frequency attached by ClinVar (database versions not stated): 1000 Genomes Project 30x 0.76031; 1000 Genomes Project 0.76038; TOPMed 0.81698.
gnomAD v4.1: 1,281,283 of 1,517,462 alleles (84%); highest among the groups gnomAD compares: Middle Eastern, 92%; 543,356 homozygotes.

Submissions (4):

Unidad de Genómica Garrahan, Hospital de Pediatría Garrahan
Classification: Benign. Last evaluated: 2024-07-15. Review status: criteria provided, single submitter. Criteria: ACMG Guidelines, 2015. Collection method: clinical testing. Allele origin: germline. Affected: no. Observed: 50 variant alleles.
Comment: This variant is classified as Benign based on local population frequency. This variant was detected in 54% of patients studied in a panel designed for Epileptic and Developmental Encephalopathy and Progressive Myoclonus Epilepsy. Number of patients: 50. Only high quality variants are reported.

Genome-Nilou Lab
Classification: Benign for Autosomal dominant nocturnal frontal lobe epilepsy 4. Last evaluated: 2021-07-22. Review status: criteria provided, single submitter. Criteria: ACMG Guidelines, 2015. Collection method: clinical testing. Allele origin: germline. Affected: no.

GeneDx
Classification: Benign. Last evaluated: 2018-06-14. Review status: criteria provided, single submitter. Criteria: GeneDx Variant Classification (06012015). Collection method: clinical testing. Allele origin: germline. Affected: yes.
Comment: This variant is considered likely benign or benign based on one or more of the following criteria: it is a conservative change, it occurs at a poorly conserved position in the protein, it is predicted to be benign by multiple in silico algorithms, and/or has population frequency not consistent with disease.

Breakthrough Genomics
Classification: Benign. Review status: criteria provided, single submitter. Criteria: ACMG Guidelines, 2015. Collection method: not provided. Allele origin: germline. Inheritance: Autosomal dominant inheritance. Affected: yes.

NM_000742.4(CHRNA2):c.450-87C>G

Gene: CHRNA2 (cholinergic receptor nicotinic alpha 2 subunit; minus strand). Cytogenetic location: 8p21.2.
Variant type: single nucleotide variant.
Coding change: c.450-87C>G on transcript NM_000742.4 (MANE Select); 87 bases into the intron before coding-DNA position 450, C replaced by G.
Molecular consequence: intron variant.
Genome position (GRCh38, 1-based): chr8:27,464,080, G>C on the plus strand (C>G on the coding strand, the complement: CHRNA2 is on the minus strand). VCF-style: chr8-27464080-G-C. GRCh37 (hg19) VCF-style: chr8-27321597-G-C.
Other names: c.-23-92C>G (NM_001347705.2, NM_001347706.2); c.405-87C>G (NM_001282455.2); c.-12-220C>G (NM_001347708.2); c.-9-223C>G (NM_001347707.2).
Identifiers: ClinVar variation 670757 (VCV000670757.6), dbSNP rs3735757, ClinGen allele CA12859626.